The following is an entry in ClinVar:

ClinVar aggregate classification (germline): Uncertain significance (1 of 4 stars; one submission).

Allele frequency attached by ClinVar (database versions not stated): ExAC 0.00001; gnomAD exomes 0.00001.
gnomAD v4.1: 6 of 1,595,300 alleles (0.00038%); highest among the groups gnomAD compares: Non-Finnish European, 0.00043%; no homozygotes.

Submission:

Ambry Genetics
Classification: Uncertain significance. Last evaluated: 2022-11-17. Review status: criteria provided, single submitter. Criteria: Ambry Variant Classification Scheme 2023. Collection method: clinical testing. Allele origin: germline.
Comment: The p.K1972E variant (also known as c.5914A>G), located in coding exon 18 of the POLQ gene, results from an A to G substitution at nucleotide position 5914. The lysine at codon 1972 is replaced by glutamic acid, an amino acid with similar properties. This amino acid position is conserved. In addition, the in silico prediction for this alteration is inconclusive. Since supporting evidence is limited at this time, the clinical significance of this alteration remains unclear.

NM_199420.4(POLQ):c.5914A>G (p.Lys1972Glu)

Gene: POLQ (DNA polymerase theta; minus strand). Cytogenetic location: 3q13.33.
Variant type: single nucleotide variant.
Coding change: c.5914A>G on transcript NM_199420.4 (MANE Select); coding-DNA position 5914, A replaced by G.
Protein change: p.Lys1972Glu; replaces lysine 1972 with glutamic acid.
Molecular consequence: missense variant.
Genome position (GRCh38, 1-based): chr3:121,483,442, T>C on the plus strand (A>G on the coding strand, the complement: POLQ is on the minus strand). VCF-style: chr3-121483442-T-C. GRCh37 (hg19) VCF-style: chr3-121202289-T-C.
Other names: short protein forms K1972E.
Identifiers: ClinVar variation 2448910 (VCV002448910.2), dbSNP rs745469469, ClinGen allele CA2562610.